The following is an entry in ClinVar:

NM_001010874.5(TECRL):c.809TGT[1] (p.Leu271del)

Gene: TECRL (trans-2,3-enoyl-CoA reductase like; minus strand). Cytogenetic location: 4q13.1.
Variant type: Microsatellite.
Coding change: c.809TGT[1] on transcript NM_001010874.5 (MANE Select); one copy of the 3-base unit TGT starting at c.809; the reference has two copies in a row; one copy, 3 bases deleted.
Protein change: p.Leu271del; deletes leucine 271.
Molecular consequence: inframe deletion.
Genome position (GRCh38, 1-based): chr4:64,289,728-64,289,730, ACA deleted on the plus strand (TGT on the coding strand, the reverse complement: TECRL is on the minus strand); deleting any 3 consecutive bases within chr4:64,289,728-64,289,733 gives the same sequence; the position shown is the placement nearest the transcript's 3' end. VCF-style (leftmost placement, unchanged base first): chr4-64289727-GACA-G. GRCh37 (hg19) VCF-style: chr4-65155445-GACA-G.
Other names: c.809TGT[1], p.Leu271del (NM_001363796.1); short protein forms L271del.
Identifiers: ClinVar variation 1762090 (VCV001762090.6), dbSNP rs764174354, ClinGen allele CA2935356.

ClinVar aggregate classification (germline): Conflicting classifications of pathogenicity. Review status: criteria provided, conflicting classifications (1 of 4 stars). 2 submissions from 2 submitters: Likely pathogenic (1); Uncertain significance (1). Last evaluated 2025-10-27.

Conditions:
Cardiovascular phenotype. Identifiers: MedGen CN230736.

Submissions (2):

Ambry Genetics
Classification: Likely pathogenic for Cardiovascular phenotype. Last evaluated: 2025-10-27. Review status: criteria provided, single submitter. Criteria: Ambry Variant Classification Scheme 2023. Collection method: clinical testing. Allele origin: germline.
Comment: The c.812_814delTGT variant (also known as p.L271del) is located in coding exon 9 of the TECRL gene. This variant results from an in-frame TGT deletion at nucleotide positions 812 to 814. This results in the in-frame deletion of a leucine at codon 271. This amino acid position is highly conserved in available vertebrate species. In addition, this alteration is predicted to be deleterious by in silico analysis (Choi Y et al. PLoS ONE. 2012; 7(10):e46688). Based on the majority of available evidence to date, this variant is likely to be pathogenic.

Blueprint Genetics
Classification: Uncertain significance. Last evaluated: 2024-01-10. Review status: criteria provided, single submitter. Criteria: ACMG Guidelines, 2015. Collection method: clinical testing. Allele origin: germline.